The following is an entry in ClinVar:

ClinVar aggregate classification (germline): Uncertain significance (1 of 4 stars; one submission).

Allele frequency attached by ClinVar (database versions not stated): gnomAD exomes below 0.00001.
gnomAD v4.1: 2 of 1,614,126 alleles (0.00012%); highest among the groups gnomAD compares: South Asian, 0.0022%; no homozygotes.

Submission:

Labcorp Genetics (formerly Invitae), Labcorp
Classification: Uncertain significance. Last evaluated: 2020-05-20. Review status: criteria provided, single submitter. Criteria: Invitae Variant Classification Sherloc (09022015). Collection method: clinical testing. Allele origin: germline.
Comment: This variant is not present in population databases (ExAC no frequency). This variant has not been reported in the literature in individuals with COL9A1-related conditions. Algorithms developed to predict the effect of missense changes on protein structure and function output the following: SIFT: "Tolerated"; PolyPhen-2: "Not Available"; Align-GVGD: "Class C0". The alanine amino acid residue is found in multiple mammalian species, suggesting that this missense change does not adversely affect protein function. These predictions have not been confirmed by published functional studies and their clinical significance is uncertain. In summary, the available evidence is currently insufficient to determine the role of this variant in disease. Therefore, it has been classified as a Variant of Uncertain Significance. This sequence change replaces threonine with alanine at codon 265 of the COL9A1 protein (p.Thr265Ala). The threonine residue is moderately conserved and there is a small physicochemical difference between threonine and alanine.

NM_001851.6(COL9A1):c.793A>G (p.Thr265Ala)

Gene: COL9A1 (collagen type IX alpha 1 chain; minus strand). Cytogenetic location: 6q13.
Variant type: single nucleotide variant.
Coding change: c.793A>G on transcript NM_001851.6 (MANE Select); coding-DNA position 793, A replaced by G.
Protein change: p.Thr265Ala; replaces threonine 265 with alanine.
Molecular consequence: missense variant. On other transcripts: intron variant (3).
Genome position (GRCh38, 1-based): chr6:70,282,906, T>C on the plus strand (A>G on the coding strand, the complement: COL9A1 is on the minus strand). VCF-style: chr6-70282906-T-C. GRCh37 (hg19) VCF-style: chr6-70992609-T-C.
Other names: c.793A>G, p.Thr265Ala (NM_001377291.1); c.72+75A>G (NM_001377290.1, NM_078485.4, NM_001377289.1); short protein forms T265A.
Identifiers: ClinVar variation 1041487 (VCV001041487.8), dbSNP rs1773262366, ClinGen allele CA364666704.